The following is an entry in ClinVar:

NM_012079.6(DGAT1):c.1238del (p.Phe413fs)

Gene: DGAT1 (diacylglycerol O-acyltransferase 1; minus strand). Cytogenetic location: 8q24.3.
Variant type: Deletion.
Coding change: c.1238del on transcript NM_012079.6 (MANE Select); coding-DNA position 1238, one base deleted (T; older notation c.1238delT).
Protein change: p.Phe413fs; shifts the reading frame from phenylalanine 413.
Molecular consequence: frameshift variant.
Genome position (GRCh38, 1-based): chr8:144,317,032, A deleted on the plus strand (T on the coding strand, the reverse complement: DGAT1 is on the minus strand); the first of 2 consecutive A bases (chr8:144,317,032-144,317,033); deleting either gives the same sequence. VCF-style (leftmost placement, unchanged base first): chr8-144317031-GA-G. GRCh37 (hg19) VCF-style: chr8-145540694-GA-G.
Other names: short protein forms F413fs.
Identifiers: ClinVar variation 3638464 (VCV003638464.2).

ClinVar aggregate classification (germline): Pathogenic (1 of 4 stars; one submission).

Submission:

Labcorp Genetics (formerly Invitae), Labcorp
Classification: Pathogenic. Last evaluated: 2024-03-30. Review status: criteria provided, single submitter. Criteria: Invitae Variant Classification Sherloc (09022015). Collection method: clinical testing. Allele origin: germline.
Comment: This sequence change creates a premature translational stop signal (p.Phe413Serfs*7) in the DGAT1 gene. It is expected to result in an absent or disrupted protein product. Loss-of-function variants in DGAT1 are known to be pathogenic (PMID: 29604290). This variant is not present in population databases (gnomAD no frequency). This variant has not been reported in the literature in individuals affected with DGAT1-related conditions. For these reasons, this variant has been classified as Pathogenic.

Literature cited by the submitters: PubMed 29604290.